The following is an entry in ClinVar:

ClinVar aggregate classification (germline): Uncertain significance. Review status: criteria provided, multiple submitters, no conflicts (2 of 4 stars). 6 submissions from 6 submitters: Uncertain significance (6). Last evaluated 2025-05-12.

Conditions:
Cardiac arrhythmia. Also called: Cardiac rhythm disease; Arrhythmia. Identifiers: MedGen C0003811, MONDO:0007263, HP:0011675.
Cardiovascular phenotype. Identifiers: MedGen CN230736.
Long QT syndrome 2 (LQT2). Identifiers: Orphanet 101016, Orphanet 768, MedGen C3150943, MONDO:0013367, OMIM 613688.
Short QT syndrome type 1. Identifiers: Orphanet 51083, MedGen C1865020, MONDO:0012312, OMIM 609620.
Long QT syndrome (LQTS). Identifiers: MedGen C0023976, MeSH D008133, MONDO:0002442. Disease mechanism: loss of function. Inheritance: Various modes of inheritance.

gnomAD v4.1: 3 of 1,534,312 alleles (0.0002%); highest among the groups gnomAD compares: East Asian, 0.0024%; no homozygotes.

Submissions (6):

Color Diagnostics, LLC DBA Color Health
Classification: Uncertain significance for Cardiac arrhythmia. Last evaluated: 2025-05-12. Review status: criteria provided, single submitter. Criteria: ACMG Guidelines, 2015. Collection method: clinical testing. Allele origin: germline.
Comment: This missense variant replaces tryptophan with cysteine at codon 927 of the KCNH2 protein. Computational prediction tool is inconclusive regarding the impact of this variant on protein structure and function. To our knowledge, functional studies have not been reported for this variant. This variant has been reported in an individual suspected to be affected with epilepsy (PMID: 31696929). This variant has been identified in 1/31316 chromosomes in the general population by the Genome Aggregation Database (gnomAD). The available evidence is insufficient to determine the role of this variant in disease conclusively. Therefore, this variant is classified as a Variant of Uncertain Significance.

Labcorp Genetics (formerly Invitae), Labcorp
Classification: Uncertain significance for Long QT syndrome. Last evaluated: 2025-01-22. Review status: criteria provided, single submitter. Criteria: Invitae Variant Classification Sherloc (09022015). Collection method: clinical testing. Allele origin: germline.
Comment: This sequence change replaces tryptophan, which is neutral and slightly polar, with cysteine, which is neutral and slightly polar, at codon 927 of the KCNH2 protein (p.Trp927Cys). The frequency data for this variant in the population databases is considered unreliable, as metrics indicate poor data quality at this position in the gnomAD database. This variant has not been reported in the literature in individuals affected with KCNH2-related conditions. ClinVar contains an entry for this variant (Variation ID: 1037100). An algorithm developed to predict the effect of missense changes on protein structure and function (PolyPhen-2) suggests that this variant is likely to be disruptive. In summary, the available evidence is currently insufficient to determine the role of this variant in disease. Therefore, it has been classified as a Variant of Uncertain Significance.

All of Us Research Program, National Institutes of Health
Classification: Uncertain significance for Long QT syndrome. Last evaluated: 2024-09-24. Review status: criteria provided, single submitter. Criteria: ACMG Guidelines, 2015. Collection method: clinical testing. Allele origin: germline. Inheritance: Autosomal dominant inheritance. Observed: 1 variant allele, 1 heterozygote.
Comment: This study involves interpretation of variants in research participants for the purpose of population health screening. Participant phenotype was not available at the time of variant classification. Additional details can be found in publication PMID: 35346344, PMCID: PMC8962531

Ambry Genetics
Classification: Uncertain significance for Cardiovascular phenotype. Last evaluated: 2022-02-11. Review status: criteria provided, single submitter. Criteria: Ambry Variant Classification Scheme 2023. Collection method: clinical testing. Allele origin: germline.
Comment: The p.W927C variant (also known as c.2781G>T), located in coding exon 12 of the KCNH2 gene, results from a G to T substitution at nucleotide position 2781. The tryptophan at codon 927 is replaced by cysteine, an amino acid with highly dissimilar properties. This amino acid position is well conserved in available vertebrate species. In addition, this alteration is predicted to be deleterious by in silico analysis. Since supporting evidence is limited at this time, the clinical significance of this alteration remains unclear.

Fulgent Genetics
Classification: Uncertain significance for Short QT syndrome type 1; Long QT syndrome 2. Last evaluated: 2021-07-01. Review status: criteria provided, single submitter. Criteria: ACMG Guidelines, 2015. Collection method: clinical testing. Allele origin: unknown.

GeneDx
Classification: Uncertain significance. Last evaluated: 2019-09-24. Review status: criteria provided, single submitter. Criteria: GeneDx Variant Classification Process June 2021. Collection method: clinical testing. Allele origin: germline. Affected: yes.
Comment: Has not been previously published as pathogenic or benign to our knowledge; Not observed at a significant frequency in large population cohorts (Lek et al., 2016); In silico analysis, which includes protein predictors and evolutionary conservation, supports a deleterious effect

Literature cited by the submitters: PubMed 31696929 (cited by Color Diagnostics, LLC DBA Color Health).

NM_000238.4(KCNH2):c.2781G>T (p.Trp927Cys)

Gene: KCNH2 (potassium voltage-gated channel subfamily H member 2; minus strand). Cytogenetic location: 7q36.1.
Variant type: single nucleotide variant.
Coding change: c.2781G>T on transcript NM_000238.4 (MANE Select); coding-DNA position 2781, G replaced by T.
Protein change: p.Trp927Cys; replaces tryptophan 927 with cysteine.
Molecular consequence: missense variant.
Genome position (GRCh38, 1-based): chr7:150,947,790, C>A on the plus strand (G>T on the coding strand, the complement: KCNH2 is on the minus strand). VCF-style: chr7-150947790-C-A. GRCh37 (hg19) VCF-style: chr7-150644878-C-A.
Other names: c.1761G>T (NM_172057.2); c.1761G>T, p.Trp587Cys (NM_172057.3); short protein forms W927C, W587C.
Identifiers: ClinVar variation 1037100 (VCV001037100.11), dbSNP rs866768546, ClinGen allele CA169072589.